The following is an entry in ClinVar:

ClinVar aggregate classification (germline): Uncertain significance (1 of 4 stars; one submission).

Submission:

Labcorp Genetics (formerly Invitae), Labcorp
Classification: Uncertain significance. Last evaluated: 2025-08-11. Review status: criteria provided, single submitter. Criteria: Invitae Variant Classification Sherloc (09022015). Collection method: clinical testing. Allele origin: germline.
Comment: This sequence change replaces aspartic acid, which is acidic and polar, with glutamic acid, which is acidic and polar, at codon 3017 of the ZNF469 protein (p.Asp3017Glu). This variant is not present in population databases (gnomAD no frequency). This variant has not been reported in the literature in individuals affected with ZNF469-related conditions. ClinVar contains an entry for this variant (Variation ID: 2133548). An algorithm developed to predict the effect of missense changes on protein structure and function (PolyPhen-2) suggests that this variant is likely to be disruptive. In summary, the available evidence is currently insufficient to determine the role of this variant in disease. Therefore, it has been classified as a Variant of Uncertain Significance.

NM_001367624.2(ZNF469):c.9135C>G (p.Asp3045Glu)

Gene: ZNF469 (zinc finger protein 469; plus strand). Cytogenetic location: 16q24.2.
Variant type: single nucleotide variant.
Coding change: c.9135C>G on transcript NM_001367624.2 (MANE Select); coding-DNA position 9135, C replaced by G.
Protein change: p.Asp3045Glu; replaces aspartic acid 3045 with glutamic acid.
Molecular consequence: missense variant.
Genome position (GRCh38, 1-based): chr16:88,436,605, C>G. VCF-style: chr16-88436605-C-G. GRCh37 (hg19) VCF-style: chr16-88503013-C-G.
Other names: short protein forms D3045E.
Identifiers: ClinVar variation 2133548 (VCV002133548.4), dbSNP rs942969456, ClinGen allele CA397120903.